The following is an entry in ClinVar:

NM_203446.3(SYNJ1):c.2744T>G (p.Ile915Ser)

Gene: SYNJ1 (synaptojanin 1; minus strand). Cytogenetic location: 21q22.11.
Variant type: single nucleotide variant.
Coding change: c.2744T>G on transcript NM_203446.3 (MANE Select); coding-DNA position 2744, T replaced by G.
Protein change: p.Ile915Ser; replaces isoleucine 915 with serine.
Molecular consequence: missense variant.
Genome position (GRCh38, 1-based): chr21:32,656,738, A>C on the plus strand (T>G on the coding strand, the complement: SYNJ1 is on the minus strand). VCF-style: chr21-32656738-A-C. GRCh37 (hg19) VCF-style: chr21-34029048-A-C.
Other names: c.2744T>G, p.Ile915Ser (NM_001160302.2); c.2729T>G, p.Ile910Ser (NM_001160306.2); c.2861T>G, p.Ile954Ser (NM_003895.4); short protein forms I910S, I954S, I915S.
Identifiers: ClinVar variation 970332 (VCV000970332.10), dbSNP rs867564053, ClinGen allele CA319425784.

ClinVar aggregate classification (germline): Uncertain significance (1 of 4 stars; one submission).

Conditions:
Early-onset Parkinson disease 20. Also called: PARKINSON DISEASE 20, AUTOSOMAL RECESSIVE EARLY-ONSET. Identifiers: Orphanet 391411, MedGen C3809824, MONDO:0014233, OMIM 615530.
Developmental and epileptic encephalopathy, 53. Also called: Epileptic encephalopathy, early infantile, 53. Identifiers: MedGen C4479313, MONDO:0033362, OMIM 617389.

Allele frequency attached by ClinVar (database versions not stated): TOPMed 0.00001.

Submission:

Labcorp Genetics (formerly Invitae), Labcorp
Classification: Uncertain significance for Developmental and epileptic encephalopathy, 53; Early-onset Parkinson disease 20. Last evaluated: 2025-06-23. Review status: criteria provided, single submitter. Criteria: Invitae Variant Classification Sherloc (09022015). Collection method: clinical testing. Allele origin: germline.
Comment: This sequence change replaces isoleucine, which is neutral and non-polar, with serine, which is neutral and polar, at codon 954 of the SYNJ1 protein (p.Ile954Ser). This variant is not present in population databases (gnomAD no frequency). This variant has not been reported in the literature in individuals affected with SYNJ1-related conditions. ClinVar contains an entry for this variant (Variation ID: 970332). Invitae Evidence Modeling of protein sequence and biophysical properties (such as structural, functional, and spatial information, amino acid conservation, physicochemical variation, residue mobility, and thermodynamic stability) indicates that this missense variant is not expected to disrupt SYNJ1 protein function with a negative predictive value of 80%. In summary, the available evidence is currently insufficient to determine the role of this variant in disease. Therefore, it has been classified as a Variant of Uncertain Significance.